The following is an entry in ClinVar:

NM_004360.5(CDH1):c.2375T>C (p.Met792Thr)

Gene: CDH1 (cadherin 1; plus strand). Cytogenetic location: 16q22.1.
Variant type: single nucleotide variant.
Coding change: c.2375T>C on transcript NM_004360.5 (MANE Select); coding-DNA position 2375, T replaced by C.
Protein change: p.Met792Thr; replaces methionine 792 with threonine.
Molecular consequence: missense variant.
Genome position (GRCh38, 1-based): chr16:68,829,733, T>C. VCF-style: chr16-68829733-T-C. GRCh37 (hg19) VCF-style: chr16-68863636-T-C.
Other names: c.2375T>C (LRG_301t1); c.2192T>C, p.Met731Thr (NM_001317184.2); c.827T>C, p.Met276Thr (NM_001317185.2); c.410T>C, p.Met137Thr (NM_001317186.2); short protein forms M792T, M731T, M137T, M276T.
Identifiers: ClinVar variation 419637 (VCV000419637.22), dbSNP rs752349229, ClinGen allele CA8130266.

ClinVar aggregate classification (germline): Uncertain significance. Review status: criteria provided, multiple submitters, no conflicts (2 of 4 stars). 6 submissions from 6 submitters: Uncertain significance (6). Last evaluated 2026-02-28.

Conditions:
Hereditary cancer-predisposing syndrome. Also called: Tumor predisposition; Hereditary neoplastic syndrome; Neoplastic Syndromes, Hereditary; Hereditary Cancer Syndrome. Identifiers: Orphanet 140162, MedGen C0027672, MeSH D009386, MONDO:0015356.
Hereditary diffuse gastric adenocarcinoma (HDGC). Also called: DIFFUSE GASTRIC AND LOBULAR BREAST CANCER SYNDROME. Identifiers: Orphanet 26106, MedGen C1708349, MONDO:0007648, OMIM 137215.
Ovarian cancer. Also called: OVARIAN CANCER, SOMATIC. Identifiers: Orphanet 213500, MedGen C1140680, MONDO:0008170, OMIM 167000.
Familial cancer of breast. Also called: BREAST CANCER, FAMILIAL; hereditary breast carcinoma; Hereditary breast cancer. Identifiers: Orphanet 227535, MedGen C0346153, MONDO:0016419, OMIM 114480. Disease mechanism: loss of function.

Allele frequency attached by ClinVar (database versions not stated): gnomAD exomes below 0.00001; ExAC 0.00001.
gnomAD v4.1: 3 of 1,614,108 alleles (0.00019%); highest among the groups gnomAD compares: Non-Finnish European, 0.00017%; no homozygotes.

Submissions (6):

Women's Health and Genetics/Laboratory Corporation of America, LabCorp
Classification: Uncertain significance. Last evaluated: 2026-02-28. Review status: criteria provided, single submitter. Criteria: LabCorp Variant Classification Summary - May 2015. Collection method: clinical testing. Allele origin: germline.

Labcorp Genetics (formerly Invitae), Labcorp
Classification: Uncertain significance for Hereditary diffuse gastric adenocarcinoma. Last evaluated: 2025-02-02. Review status: criteria provided, single submitter. Criteria: Invitae Variant Classification Sherloc (09022015). Collection method: clinical testing. Allele origin: germline.
Comment: This sequence change replaces methionine, which is neutral and non-polar, with threonine, which is neutral and polar, at codon 792 of the CDH1 protein (p.Met792Thr). This variant is present in population databases (rs752349229, gnomAD 0.0009%). This variant has not been reported in the literature in individuals affected with CDH1-related conditions. ClinVar contains an entry for this variant (Variation ID: 419637). An algorithm developed to predict the effect of missense changes on protein structure and function (PolyPhen-2) suggests that this variant is likely to be disruptive. In summary, the available evidence is currently insufficient to determine the role of this variant in disease. Therefore, it has been classified as a Variant of Uncertain Significance.

Ambry Genetics
Classification: Uncertain significance for Hereditary cancer-predisposing syndrome. Last evaluated: 2024-07-17. Review status: criteria provided, single submitter. Criteria: Ambry Variant Classification Scheme 2023. Collection method: clinical testing. Allele origin: germline.
Comment: The p.M792T variant (also known as c.2375T>C), located in coding exon 15 of the CDH1 gene, results from a T to C substitution at nucleotide position 2375. The methionine at codon 792 is replaced by threonine, an amino acid with similar properties. This amino acid position is poorly conserved in available vertebrate species. In addition, this alteration is predicted to be tolerated by in silico analysis. Since supporting evidence is limited at this time, the clinical significance of this alteration remains unclear.

Color Diagnostics, LLC DBA Color Health
Classification: Uncertain significance for Hereditary cancer-predisposing syndrome. Last evaluated: 2020-07-01. Review status: criteria provided, single submitter. Criteria: ACMG Guidelines, 2015. Collection method: clinical testing. Allele origin: germline.
Comment: This missense variant replaces methionine with threonine at codon 792 of the CDH1 protein. Computational prediction tools and conservation analyses are inconclusive regarding the impact of this variant on the protein function. Computational splicing tools suggest that this variant may not impact RNA splicing. To our knowledge, functional assays have not been performed for this variant nor has this variant been reported in individuals affected with hereditary cancer in the literature. This variant has been identified in 1/251472 chromosomes in the general population by the Genome Aggregation Database (gnomAD). Available evidence is insufficient to determine the role of this variant in disease conclusively. Therefore, this variant is classified as a Variant of Uncertain Significance.

Department of Pathology and Laboratory Medicine, Sinai Health System
Classification: Uncertain significance for Familial cancer of breast; Ovarian cancer. Last evaluated: 2019-12-13. Review status: criteria provided, single submitter. Criteria: ACMG Guidelines, 2015. Collection method: clinical testing. Allele origin: germline. Affected: yes.

GeneDx
Classification: Uncertain significance. Last evaluated: 2017-11-20. Review status: criteria provided, single submitter. Criteria: GeneDx Variant Classification (06012015). Collection method: clinical testing. Allele origin: germline. Affected: yes.
Comment: This variant is denoted CDH1 c.2375T>C at the cDNA level, p.Met792Thr (M792T) at the protein level, and results in the change of a Methionine to a Threonine (ATG>ACG). This variant has not, to our knowledge, been published in the literature as pathogenic or benign. CDH1 Met792Thr was not observed at a significant allele frequency in large population cohorts (Lek 2016). Since Methionine and Threonine differ in polarity, charge, size or other properties, this is considered a non-conservative amino acid substitution. CDH1 Met792Thr is located in the Hakai domain within the cytoplasmic domain (Brooks-Wilson 2004, Figueiredo 2013). In-silico analyses, including protein predictors and evolutionary conservation, support a deleterious effect. Based on currently available evidence, it is unclear whether CDH1 Met792Thr is a pathogenic or benign variant. We consider it to be a variant of uncertain significance.

Literature cited by the submitters: PubMed 32720237 (cited by Ambry Genetics).